The following is an entry in ClinVar:

NM_000038.6(APC):c.1191_1192dup (p.Lys398fs)

Gene: APC (APC regulator of Wnt signaling pathway; plus strand). Cytogenetic location: 5q22.2.
Variant type: Duplication.
Coding change: c.1191_1192dup on transcript NM_000038.6 (MANE Select); coding-DNA positions 1191 to 1192, 2 bases duplicated (CA; older notation c.1191_1192dupCA).
Protein change: p.Lys398fs; shifts the reading frame from lysine 398.
Molecular consequence: frameshift variant. On other transcripts: intron variant (4).
Genome position (GRCh38, 1-based): chr5:112,819,223-112,819,224, CA duplicated; duplicating any 2 consecutive bases within chr5:112,819,222-112,819,224 gives the same sequence; the c. name uses the placement nearest the transcript's 3' end. VCF-style (leftmost placement, unchanged base first): chr5-112819221-G-GAC. GRCh37 (hg19) VCF-style: chr5-112154918-G-GAC.
Other names: c.1221_1222dup, p.Lys408fs (NM_001354897.2); c.1116_1117dup, p.Lys373fs (NM_001354898.2); c.1191_1192dup, p.Lys398fs (NM_001127510.3, NM_001354895.2, NM_001354896.2); c.1137_1138dup, p.Lys380fs (NM_001127511.3); c.1107_1108dup, p.Lys370fs (NM_001354899.2); c.1014_1015dup, p.Lys339fs (NM_001354900.2, NM_001354901.2); c.342_343dup, p.Lys115fs (NM_001354906.2); c.964-46_964-45dup (NM_001354902.2); and 3 more; short protein forms K339fs, K373fs, K380fs, K398fs, K115fs, K370fs, K408fs.
Identifiers: ClinVar variation 1453254 (VCV001453254.8), dbSNP rs2149782311, ClinGen allele CA2573138824.
Genomic context (GRCh38, chr5:112,819,221, plus strand): 5'-AAAGAGGCTCGGGCCAGGGCCAGTGCAGCACTCCACAACATCATTCACTCACAGCCTGAT[G>GAC]ACAAGAGAGGCAGGCGTGAAATCCGAGTCCTTCATCTTTTGGAACAGATACGCGCTTACT-3'

ClinVar aggregate classification (germline): Pathogenic/Likely pathogenic. Review status: criteria provided, multiple submitters, no conflicts (2 of 4 stars). 3 submissions from 3 submitters: Pathogenic (2); Likely pathogenic (1). Last evaluated 2023-09-14.

Conditions:
Familial adenomatous polyposis 1 (FAP1). Also called: POLYPOSIS, ADENOMATOUS INTESTINAL; FAMILIAL ADENOMATOUS POLYPOSIS 1, ATTENUATED. Identifiers: MedGen C2713442, MONDO:0021056, OMIM 175100. Disease mechanism: loss of function.

Submissions (3):

Baylor Genetics
Classification: Likely pathogenic for Familial adenomatous polyposis 1. Last evaluated: 2023-09-14. Review status: criteria provided, single submitter. Criteria: ACMG Guidelines, 2015. Collection method: clinical testing. Allele origin: unknown.

Labcorp Genetics (formerly Invitae), Labcorp
Classification: Pathogenic for Familial adenomatous polyposis 1. Last evaluated: 2023-05-15. Review status: criteria provided, single submitter. Criteria: Invitae Variant Classification Sherloc (09022015). Collection method: clinical testing. Allele origin: germline.
Comment: For these reasons, this variant has been classified as Pathogenic. ClinVar contains an entry for this variant (Variation ID: 1453254). This variant has not been reported in the literature in individuals affected with APC-related conditions. This variant is not present in population databases (gnomAD no frequency). This sequence change creates a premature translational stop signal (p.Lys398Thrfs*57) in the APC gene. It is expected to result in an absent or disrupted protein product. Loss-of-function variants in APC are known to be pathogenic (PMID: 17963004, 20685668).

Myriad Genetics, Inc.
Classification: Pathogenic for Familial adenomatous polyposis 1. Last evaluated: 2023-04-28. Review status: criteria provided, single submitter. Criteria: Myriad Autosomal Dominant, Autosomal Recessive and X-Linked Classification Criteria (2023). Collection method: clinical testing. Allele origin: unknown.
Comment: This variant is considered pathogenic. This variant creates a frameshift predicted to result in premature protein truncation.

Literature cited by the submitters: PubMed 17963004 (cited by Labcorp Genetics (formerly Invitae), Labcorp); PubMed 20685668 (cited by Labcorp Genetics (formerly Invitae), Labcorp).